The following is an entry in ClinVar:

ClinVar aggregate classification (germline): Benign. Review status: criteria provided, multiple submitters, no conflicts (2 of 4 stars). 6 submissions from 6 submitters: Benign (5). 1 of the submissions does not count toward it. Last evaluated 2026-02-03.

Conditions:
PKD1L1-related disorder. Also called: PKD1L1-related condition.
Heterotaxy, visceral, 8, autosomal (HTX8). Identifiers: MedGen C4310668, MONDO:0014967, OMIM 617205.

Allele frequency attached by ClinVar (database versions not stated): 1000 Genomes Project 0.24720; 1000 Genomes Project 30x 0.25297; ESP Exome Variant Server 0.28987; gnomAD 0.29526 and 0.29797; TOPMed 0.29933; ExAC 0.30068; gnomAD exomes 0.31060 and 0.32629.
gnomAD v4.1: 520,410 of 1,612,028 alleles (32%); highest among the groups gnomAD compares: Admixed American, 41%; 86,858 homozygotes.

Submissions (6):

Labcorp Genetics (formerly Invitae), Labcorp
Classification: Benign. Last evaluated: 2026-02-03. Review status: criteria provided, single submitter. Criteria: Invitae Variant Classification Sherloc (09022015). Collection method: clinical testing. Allele origin: germline.

Blueprint Genetics
Classification: Benign. Last evaluated: 2024-11-27. Review status: criteria provided, single submitter. Criteria: ACMG Guidelines, 2015. Collection method: clinical testing. Allele origin: germline.

Genome-Nilou Lab
Classification: Benign for Heterotaxy, visceral, 8, autosomal. Last evaluated: 2021-09-05. Review status: criteria provided, single submitter. Criteria: ACMG Guidelines, 2015. Collection method: clinical testing. Allele origin: germline. Affected: no.

GeneDx
Classification: Benign. Last evaluated: 2018-11-12. Review status: criteria provided, single submitter. Criteria: GeneDx Variant Classification Process June 2021. Collection method: clinical testing. Allele origin: germline. Affected: yes.

Breakthrough Genomics
Classification: Benign. Review status: criteria provided, single submitter. Criteria: ACMG Guidelines, 2015. Collection method: not provided. Allele origin: germline. Inheritance: Autosomal recessive inheritance. Affected: yes.

PreventionGenetics, part of Exact Sciences
Classification: Benign for PKD1L1-related condition. Last evaluated: 2021-11-27. Review status: no assertion criteria provided. Collection method: clinical testing. Allele origin: germline. Not counted in ClinVar's aggregate classification.
Comment: This variant is classified as benign based on ACMG/AMP sequence variant interpretation guidelines (Richards et al. 2015 PMID: 25741868, with internal and published modifications).

NM_138295.5(PKD1L1):c.3267T>A (p.Ala1089=)

Gene: PKD1L1 (polycystin 1 like 1, transient receptor potential channel interacting; minus strand). Cytogenetic location: 7p12.3.
Variant type: single nucleotide variant.
Coding change: c.3267T>A on transcript NM_138295.5 (MANE Select); coding-DNA position 3267, T replaced by A.
Protein change: p.Ala1089=; no amino-acid change (alanine 1089 retained).
Molecular consequence: synonymous variant.
Genome position (GRCh38, 1-based): chr7:47,882,084, A>T on the plus strand (T>A on the coding strand, the complement: PKD1L1 is on the minus strand). VCF-style: chr7-47882084-A-T. GRCh37 (hg19) VCF-style: chr7-47921682-A-T.
Identifiers: ClinVar variation 1248458 (VCV001248458.13), dbSNP rs10951936, ClinGen allele CA4253473.
Genomic context (GRCh38, chr7:47,882,084, plus strand): 5'-ATCTCCAGGGCTCTCCTCGGCACTCAAGCTAGGTCCTGATCCTGGAAAGCTGGTGTCCTT[A>T]GCTAGGAAGATAAACCAAGCCAATAGATGTTAAAGAAAAAAAGTCATGATGATCTTAAAG-3'
Protein context (NP_612152.1, residues 1079-1099): EAIPSGGRQP[Ala1089=]KDTSFPGSGP